The following is an entry in ClinVar:

NM_001267550.2(TTN):c.82580T>C (p.Leu27527Pro)

Genes: TTN (titin; minus strand), TTN-AS1 (TTN antisense RNA 1; plus strand). Cytogenetic location: 2q31.2.
Variant type: single nucleotide variant.
Coding change: c.82580T>C on transcript NM_001267550.2 (MANE Select); coding-DNA position 82580, T replaced by C.
Protein change: p.Leu27527Pro; replaces leucine 27527 with proline.
Molecular consequence: missense variant.
Genome position (GRCh38, 1-based): chr2:178,563,552, A>G on the plus strand (T>C on the coding strand, the complement: TTN is on the minus strand). VCF-style: chr2-178563552-A-G. GRCh37 (hg19) VCF-style: chr2-179428279-A-G.
Other names: c.77657T>C, p.Leu25886Pro (NM_001256850.1); c.55385T>C, p.Leu18462Pro (NM_003319.4); c.74876T>C, p.Leu24959Pro (NM_133378.4); c.55760T>C, p.Leu18587Pro (NM_133432.3); c.55961T>C, p.Leu18654Pro (NM_133437.4); short protein forms L24959P, L27527P, L18462P, L18587P, L18654P, L25886P.
Identifiers: ClinVar variation 191878 (VCV000191878.2), dbSNP rs202169004, ClinGen allele CA237767.

ClinVar aggregate classification (germline): Uncertain significance. Review status: criteria provided, multiple submitters, no conflicts (2 of 4 stars). 2 submissions from 2 submitters: Uncertain significance (2). Last evaluated 2026-06-22.

Allele frequency attached by ClinVar (database versions not stated): gnomAD exomes below 0.00001 and 0.00002; ExAC 0.00001.
gnomAD v4.1: 9 of 1,613,808 alleles (0.00056%); highest among the groups gnomAD compares: South Asian, 0.0011%; no homozygotes.

Submissions (2):

Women's Health and Genetics/Laboratory Corporation of America, LabCorp
Classification: Uncertain significance. Last evaluated: 2026-06-22. Review status: criteria provided, single submitter. Criteria: LabCorp Variant Classification Summary - May 2015. Collection method: clinical testing. Allele origin: germline.

Biesecker Lab/Clinical Genomics Section, National Institutes of Health
Classification: Uncertain significance. Last evaluated: 2013-06-24. Review status: criteria provided, single submitter. Criteria: Ng et al. (Circ Cardiovasc Genet. 2013). Collection method: research. Allele origin: unknown. Observed: 1 variant allele. Study: ClinSeq.
Comment: The study set was not selected for affection status in relation to any cancer. Pathogenicity categories were based on literature curation. See Pubmed ID:23861362 for details.

Medical sequencing